The following is an entry in ClinVar:

ClinVar aggregate classification (germline): Uncertain significance. Review status: criteria provided, multiple submitters, no conflicts (2 of 4 stars). 3 submissions from 3 submitters: Uncertain significance (3). Last evaluated 2021-07-16.

Conditions:
Neuromuscular disease caused by qualitative or quantitative defects of dysferlin. Also called: Qualitative or quantitative defects of dysferlin; Dysferlinopathy. Identifiers: Orphanet 207073, MedGen C2931687, MONDO:0016145.

Submissions (3):

Labcorp Genetics (formerly Invitae), Labcorp
Classification: Uncertain significance for Neuromuscular disease caused by qualitative or quantitative defects of dysferlin. Last evaluated: 2021-07-16. Review status: criteria provided, single submitter. Criteria: Invitae Variant Classification Sherloc (09022015). Collection method: clinical testing. Allele origin: germline.
Comment: Nucleotide substitutions within the consensus splice site are a relatively common cause of aberrant splicing (PMID: 17576681, 9536098). Algorithms developed to predict the effect of sequence changes on RNA splicing suggest that this variant may disrupt the consensus splice site. This sequence change falls in intron 20 of the DYSF gene. It does not directly change the encoded amino acid sequence of the DYSF protein. It affects a nucleotide within the consensus splice site of the intron. This variant is not present in population databases (ExAC no frequency). This variant has not been reported in the literature in individuals affected with DYSF-related conditions. ClinVar contains an entry for this variant (Variation ID: 594946). In summary, the available evidence is currently insufficient to determine the role of this variant in disease. Therefore, it has been classified as a Variant of Uncertain Significance.

Revvity Omics, Revvity
Classification: Uncertain significance. Last evaluated: 2020-10-08. Review status: criteria provided, single submitter. Criteria: ACMG Guidelines, 2015. Collection method: clinical testing. Allele origin: germline.

Eurofins Ntd Llc (ga)
Classification: Uncertain significance. Last evaluated: 2017-11-24. Review status: criteria provided, single submitter. Criteria: EGL Classification Definitions 2015. Collection method: clinical testing. Allele origin: germline. Observed: 1 variant allele, 1 heterozygote.

Literature cited by the submitters: PubMed 17576681 (cited by Labcorp Genetics (formerly Invitae), Labcorp); PubMed 9536098 (cited by Labcorp Genetics (formerly Invitae), Labcorp).

NM_001130987.2(DYSF):c.1976_1984+3dup

Gene: DYSF (dysferlin; plus strand). Cytogenetic location: 2p13.2.
Variant type: Duplication.
Coding change: c.1976_1984+3dup on transcript NM_001130987.2 (MANE Select); coding-DNA position 1976 through 3 bases into the intron after coding-DNA position 1984, 12 bases duplicated (TCTTTGACGGTG).
Molecular consequence: splice donor variant.
Genome position (GRCh38, 1-based): chr2:71,553,180-71,553,191, TCTTTGACGGTG duplicated; duplicating any 12 consecutive bases within chr2:71,553,179-71,553,191 gives the same sequence; the c. name uses the placement nearest the transcript's 3' end. VCF-style (leftmost placement, unchanged base first): chr2-71553178-A-AGTCTTTGACGGT. GRCh37 (hg19) VCF-style: chr2-71780308-A-AGTCTTTGACGGT.
Other names: c.1922_1930+3dup (NM_003494.3, NM_001130978.2, NM_003494.4); c.2015_2023+3dup (NM_001130979.2); c.1973_1981+3dup (NM_001130981.2, NM_001130980.2); c.1880_1888+3dup (NM_001130977.2, NM_001130976.2); c.2018_2026+3dup (NM_001130982.2); c.1976_1984+3dup (NM_001130985.2); c.1925_1933+3dup (NM_001130983.2, NM_001130455.2); c.1883_1891+3dup (NM_001130984.2, NM_001130986.2).
Identifiers: ClinVar variation 594946 (VCV000594946.13), dbSNP rs1573943846, ClinGen allele CA913190078.